The following is an entry in ClinVar:

NM_018972.4(GDAP1):c.840C>T (p.Tyr280=)

Gene: GDAP1 (ganglioside induced differentiation associated protein 1; plus strand). Cytogenetic location: 8q21.11.
Variant type: single nucleotide variant.
Coding change: c.840C>T on transcript NM_018972.4 (MANE Select); coding-DNA position 840, C replaced by T.
Protein change: p.Tyr280=; no amino-acid change (tyrosine 280 retained).
Molecular consequence: synonymous variant. On other transcripts: intron variant (1).
Genome position (GRCh38, 1-based): chr8:74,364,130, C>T. VCF-style: chr8-74364130-C-T. GRCh37 (hg19) VCF-style: chr8-75276365-C-T.
Other names: c.636C>T, p.Tyr212= (NM_001040875.4); c.513C>T, p.Tyr171= (NM_001362929.2, NM_001362932.2); c.666C>T, p.Tyr222= (NM_001362930.2); c.694+1077C>T (NM_001362931.2).
Identifiers: ClinVar variation 467774 (VCV000467774.55), dbSNP rs374624466, ClinGen allele CA4785205.

ClinVar aggregate classification (germline): Likely benign. Review status: criteria provided, multiple submitters, no conflicts (2 of 4 stars). 9 submissions from 9 submitters: Likely benign (8). 1 of the submissions does not count toward it. Last evaluated 2026-03-10.

Conditions:
GDAP1-related disorder. Also called: GDAP1-related condition; GDAP1-related disorders.
Charcot-Marie-Tooth disease. Also called: Charcot-Marie-Tooth Hereditary Neuropathy; Charcot-Marie-Tooth Neuropathy. Identifiers: Orphanet 166, MedGen C0007959, MONDO:0015626.
Inborn genetic diseases. Identifiers: MedGen C0950123, MeSH D030342.
Charcot-Marie-Tooth disease type 4A. Also called: Charcot-Marie-Tooth disease, demyelinating, autosomal recessive, type 4a. Identifiers: Orphanet 99948, MedGen C1859198, MONDO:0008961, OMIM 214400.

Allele frequency attached by ClinVar (database versions not stated): ESP Exome Variant Server 0.00008; gnomAD exomes 0.00012 and 0.00021; gnomAD 0.00013 and 0.00014; ExAC 0.00016; TOPMed 0.00022.
gnomAD v4.1: 205 of 1,614,124 alleles (0.013%); highest among the groups gnomAD compares: Admixed American, 0.027%; 1 homozygote.

Submissions (9):

Women's Health and Genetics/Laboratory Corporation of America, LabCorp
Classification: Likely benign. Last evaluated: 2026-03-10. Review status: criteria provided, single submitter. Criteria: LabCorp Variant Classification Summary - May 2015. Collection method: clinical testing. Allele origin: germline.

Labcorp Genetics (formerly Invitae), Labcorp
Classification: Likely benign for Charcot-Marie-Tooth disease type 4A. Last evaluated: 2026-01-03. Review status: criteria provided, single submitter. Criteria: Invitae Variant Classification Sherloc (09022015). Collection method: clinical testing. Allele origin: germline.

Blueprint Genetics
Classification: Likely benign. Last evaluated: 2024-10-23. Review status: criteria provided, single submitter. Criteria: ACMG Guidelines, 2015. Collection method: clinical testing. Allele origin: germline.

CeGaT Center for Human Genetics Tuebingen
Classification: Likely benign. Last evaluated: 2022-01-01. Review status: criteria provided, single submitter. Criteria: CeGaT Center For Human Genetics Tuebingen Variant Classification Criteria Version 2. Collection method: clinical testing. Allele origin: germline. Affected: yes. Observed: 2 variant alleles.

Ambry Genetics
Classification: Likely benign for Inborn genetic diseases. Last evaluated: 2019-07-11. Review status: criteria provided, single submitter. Criteria: Ambry Variant Classification Scheme 2023. Collection method: clinical testing. Allele origin: germline.

Athena Diagnostics
Classification: Likely benign. Last evaluated: 2019-03-12. Review status: criteria provided, single submitter. Criteria: Athena Diagnostics Criteria. Collection method: clinical testing. Allele origin: germline.

GeneDx
Classification: Likely benign. Last evaluated: 2019-01-04. Review status: criteria provided, single submitter. Criteria: GeneDx Variant Classification Process June 2021. Collection method: clinical testing. Allele origin: germline. Affected: yes.

Molecular Genetics Laboratory, London Health Sciences Centre
Classification: Likely benign for Charcot-Marie-Tooth disease. Review status: criteria provided, single submitter. Criteria: ACMG Guidelines, 2015. Collection method: clinical testing. Allele origin: germline. Affected: yes.

PreventionGenetics, part of Exact Sciences
Classification: Likely benign for GDAP1-related condition. Last evaluated: 2020-02-18. Review status: no assertion criteria provided. Collection method: clinical testing. Allele origin: germline. Not counted in ClinVar's aggregate classification.
Comment: This variant is classified as likely benign based on ACMG/AMP sequence variant interpretation guidelines (Richards et al. 2015 PMID: 25741868, with internal and published modifications).